The following is an entry in ClinVar:

ClinVar aggregate classification (germline): Pathogenic/Likely pathogenic. Review status: criteria provided, multiple submitters, no conflicts (2 of 4 stars). 2 submissions from 2 submitters: Pathogenic (1); Likely pathogenic (1). Last evaluated 2023-02-23.

Conditions:
Pseudoxanthoma elasticum, forme fruste. Also called: PSEUDOXANTHOMA ELASTICUM, HETEROZYGOUS; Pseudoxanthoma Elasticum, Incomplete. Identifiers: Orphanet 758, MedGen C1867450, MONDO:0008333, OMIM 177850.

Submissions (2):

3billion
Classification: Likely pathogenic for Pseudoxanthoma elasticum, forme fruste. Last evaluated: 2023-02-23. Review status: criteria provided, single submitter. Criteria: ACMG Guidelines, 2015. Collection method: clinical testing. Allele origin: unknown. Affected: yes.
Comment: The variant is not observed in the gnomAD v2.1.1 dataset. This variant was predicted to result in a loss or disruption of normal protein function through nonsense-mediated decay (NMD) or protein truncation. Multiple pathogenic variants are reported downstream of the variant. Therefore, this variant is classified as Likely pathogenic according to the recommendation of ACMG/AMP guideline.

Labcorp Genetics (formerly Invitae), Labcorp
Classification: Pathogenic. Last evaluated: 2022-10-24. Review status: criteria provided, single submitter. Criteria: Invitae Variant Classification Sherloc (09022015). Collection method: clinical testing. Allele origin: germline.
Comment: This sequence change creates a premature translational stop signal (p.Leu430Cysfs*31) in the ABCC6 gene. It is expected to result in an absent or disrupted protein product. Loss-of-function variants in ABCC6 are known to be pathogenic (PMID: 11536079, 17617515). This variant is not present in population databases (gnomAD no frequency). This variant has not been reported in the literature in individuals affected with ABCC6-related conditions. For these reasons, this variant has been classified as Pathogenic.

Literature cited by the submitters: PubMed 11536079 (cited by Labcorp Genetics (formerly Invitae), Labcorp); PubMed 17617515 (cited by Labcorp Genetics (formerly Invitae), Labcorp).

NM_001171.6(ABCC6):c.1288del (p.Leu430fs)

Gene: ABCC6 (ATP binding cassette subfamily C member 6; minus strand). Cytogenetic location: 16p13.11.
Variant type: Deletion.
Coding change: c.1288del on transcript NM_001171.6 (MANE Select); coding-DNA position 1288, one base deleted (C; older notation c.1288delC).
Protein change: p.Leu430fs; shifts the reading frame from leucine 430.
Molecular consequence: frameshift variant. On other transcripts: non-coding transcript variant (1).
Genome position (GRCh38, 1-based): chr16:16,198,071, G deleted on the plus strand (C on the coding strand, the reverse complement: ABCC6 is on the minus strand). VCF-style (leftmost placement, unchanged base first): chr16-16198070-AG-A. GRCh37 (hg19) VCF-style: chr16-16291927-AG-A.
Other names: c.946del, p.Leu316fs (NM_001351800.1); short protein forms L316fs, L430fs.
Identifiers: ClinVar variation 2064422 (VCV002064422.5), dbSNP rs2511036370, ClinGen allele CA2580090788.
Genomic context (GRCh38, chr16:16,198,070, plus strand): 5'-CTCTGGCATACCTGCCAGAGATAGACGAAGCAGACCACGATCCAGACGAGAGGCAGCCAC[AG>A]CCCGTTGAGGTAGAGGACGCTCTCGGTCAGCCGCTGCACGTCCACGGACACCAGATTGAC-3'